The following is an entry in ClinVar:

ClinVar aggregate classification (germline): Uncertain significance (1 of 4 stars; one submission).

Conditions:
Cardiovascular phenotype. Identifiers: MedGen CN230736.
Hereditary cancer-predisposing syndrome. Also called: Hereditary neoplastic syndrome; Neoplastic Syndromes, Hereditary; Tumor predisposition; Hereditary Cancer Syndrome. Identifiers: Orphanet 140162, MedGen C0027672, MeSH D009386, MONDO:0015356.

Submission:

Ambry Genetics
Classification: Uncertain significance for Cardiovascular phenotype; Hereditary cancer-predisposing syndrome. Last evaluated: 2025-07-01. Review status: criteria provided, single submitter. Criteria: Ambry Variant Classification Scheme 2023. Collection method: clinical testing. Allele origin: germline.
Comment: The p.R2520M variant (also known as c.7559G>T), located in coding exon 51 of the NF1 gene, results from a G to T substitution at nucleotide position 7559. The arginine at codon 2520 is replaced by methionine, an amino acid with similar properties. This amino acid position is conserved. In addition, the in silico prediction for this alteration is inconclusive. Based on the available evidence, the clinical significance of this variant remains unclear.

NM_001042492.3(NF1):c.7622G>T (p.Arg2541Met)

Gene: NF1 (neurofibromin 1; plus strand). Cytogenetic location: 17q11.2.
Variant type: single nucleotide variant.
Coding change: c.7622G>T on transcript NM_001042492.3 (MANE Select); coding-DNA position 7622, G replaced by T.
Protein change: p.Arg2541Met; replaces arginine 2541 with methionine.
Molecular consequence: missense variant.
Genome position (GRCh38, 1-based): chr17:31,356,466, G>T. VCF-style: chr17-31356466-G-T. GRCh37 (hg19) VCF-style: chr17-29683484-G-T.
Other names: c.7559G>T, p.Arg2520Met (NM_000267.4); short protein forms R2520M, R2541M.
Identifiers: ClinVar variation 4119089 (VCV004119089.1).
Genomic context (GRCh38, chr17:31,356,466, plus strand): 5'-CATTTATAGACACTGTAGTTAATGAACTTGCATATTCTTAACTTTTGTTTATAGGAACAA[G>T]GAAAAGTTTTGATCACTTGATATCAGACACAAAGGCTCCTAAAAGGCAAGAAATGGAATC-3'
Protein context (NP_001035957.1, residues 2531-2551): QANTKKLLGT[Arg2541Met]KSFDHLISDT